The following is an entry in ClinVar:

NM_006406.2(PRDX4):c.766-37A>C

Gene: PRDX4 (peroxiredoxin 4; plus strand). Cytogenetic location: Xp22.11.
Variant type: single nucleotide variant.
Coding change: c.766-37A>C on transcript NM_006406.2 (MANE Select); 37 bases into the intron before coding-DNA position 766, A replaced by C.
Molecular consequence: intron variant.
Genome position (GRCh38, 1-based): chrX:23,686,248, A>C. VCF-style: chrX-23686248-A-C. GRCh37 (hg19) VCF-style: chrX-23704365-A-C.
Identifiers: ClinVar variation 4987864 (VCV004987864.1).

ClinVar aggregate classification (germline): Likely benign (1 of 4 stars; one submission).

Conditions:
PRDX4-related condition.

gnomAD v4.1: 6 of 1,123,080 alleles (0.00053%); highest among the groups gnomAD compares: Non-Finnish European, 0.00072%; no homozygotes.

Submission:

PreventionGenetics, part of Exact Sciences
Classification: Likely benign for PRDX4-related condition. Last evaluated: 2026-06-04. Review status: criteria provided, single submitter. Criteria: ACMG Guidelines, 2015. Collection method: clinical testing. Allele origin: germline.
Comment: This variant is classified as likely benign based on ACMG/AMP sequence variant interpretation guidelines (Richards et al. 2015 PMID: 25741868, with internal and published modifications).